The following is an entry in ClinVar:

ClinVar aggregate classification (germline): Benign/Likely benign. Review status: criteria provided, multiple submitters, no conflicts (2 of 4 stars). 4 submissions from 4 submitters: Benign (1); Likely benign (3). Last evaluated 2025-06-13.

Conditions:
Hereditary cancer-predisposing syndrome. Also called: Tumor predisposition; Neoplastic Syndromes, Hereditary; Hereditary Cancer Syndrome; Hereditary neoplastic syndrome. Identifiers: Orphanet 140162, MedGen C0027672, MeSH D009386, MONDO:0015356.
Von Hippel-Lindau syndrome (VHLS). Also called: Von Hippel-Lindau; von Hippel–Lindau syndrome; VHL syndrome. Identifiers: Orphanet 892, MedGen C0019562, MONDO:0008667, OMIM 193300. Disease mechanism: loss of function.
Chuvash polycythemia. Also called: POLYCYTHEMIA, VHL-DEPENDENT. Identifiers: Orphanet 238557, MedGen C1837915, MONDO:0009892, OMIM 263400.

Allele frequency attached by ClinVar (database versions not stated): gnomAD 0.00001.
gnomAD v4.1: 4 of 1,614,032 alleles (0.00025%); highest among the groups gnomAD compares: African/African-American, 0.0027%; no homozygotes.

Submissions (4):

Myriad Genetics, Inc.
Classification: Benign for Von Hippel-Lindau syndrome. Last evaluated: 2025-06-13. Review status: criteria provided, single submitter. Criteria: Myriad Autosomal Dominant, Autosomal Recessive and X-Linked Classification Criteria (2023). Collection method: clinical testing. Allele origin: unknown.
Comment: This variant is considered benign. This variant is a silent/synonymous amino acid change and it is not expected to impact splicing.

Labcorp Genetics (formerly Invitae), Labcorp
Classification: Likely benign for Von Hippel-Lindau syndrome; Chuvash polycythemia. Last evaluated: 2024-11-13. Review status: criteria provided, single submitter. Criteria: Invitae Variant Classification Sherloc (09022015). Collection method: clinical testing. Allele origin: germline.

All of Us Research Program, National Institutes of Health
Classification: Likely benign for Von Hippel-Lindau syndrome. Last evaluated: 2024-07-20. Review status: criteria provided, single submitter. Criteria: ACMG Guidelines, 2015. Collection method: clinical testing. Allele origin: germline. Inheritance: Autosomal dominant inheritance. Observed: 1 variant allele, 1 heterozygote.
Comment: This study involves interpretation of variants in research participants for the purpose of population health screening. Participant phenotype was not available at the time of variant classification. Additional details can be found in publication PMID: 35346344, PMCID: PMC8962531

Ambry Genetics
Classification: Likely benign for Hereditary cancer-predisposing syndrome. Last evaluated: 2023-06-24. Review status: criteria provided, single submitter. Criteria: Ambry Variant Classification Scheme 2023. Collection method: clinical testing. Allele origin: germline.

NM_000551.4(VHL):c.510C>A (p.Val170=)

Genes: VHL (von Hippel-Lindau tumor suppressor; plus strand), LOC107303340 (3p25 von Hippel-Lindau tumor suppressor, E3 ubiquitin protein ligase Alu-mediated recombination region; plus strand). Cytogenetic location: 3p25.3.
Variant type: single nucleotide variant.
Coding change: c.510C>A on transcript NM_000551.4 (MANE Select); coding-DNA position 510, C replaced by A.
Protein change: p.Val170=; no amino-acid change (valine 170 retained).
Molecular consequence: synonymous variant. On other transcripts: 3 prime UTR variant (1), non-coding transcript variant (1).
Genome position (GRCh38, 1-based): chr3:10,149,833, C>A. VCF-style: chr3-10149833-C-A. GRCh37 (hg19) VCF-style: chr3-10191517-C-A.
Other names: c.*64C>A (NM_001354723.2); c.387C>A, p.Val129= (NM_198156.3).
Identifiers: ClinVar variation 2600046 (VCV002600046.7), dbSNP rs765224880, ClinGen allele CA041357.